The following is an entry in ClinVar:

ClinVar aggregate classification (germline): Conflicting classifications of pathogenicity. Review status: criteria provided, conflicting classifications (1 of 4 stars). 4 submissions from 4 submitters: Uncertain significance (3); Likely benign (1). Last evaluated 2026-01-19.

Conditions:
Myofibrillar myopathy 5. Also called: Filaminopathy (type); FILAMINOPATHY, AUTOSOMAL DOMINANT. Identifiers: Orphanet 171445, MedGen C1836050, MONDO:0012289, OMIM 609524.
Distal myopathy with posterior leg and anterior hand involvement. Also called: WILLIAMS DISTAL MYOPATHY. Identifiers: Orphanet 63273, MedGen C3279722, MONDO:0013550, OMIM 614065.
Hypertrophic cardiomyopathy 26. Also called: Cardiomyopathy, familial hypertrophic, 26. Identifiers: Orphanet 75249, MedGen C4310749, MONDO:0014883, OMIM 617047.
Cardiovascular phenotype. Identifiers: MedGen CN230736.

Allele frequency attached by ClinVar (database versions not stated): gnomAD 0.00001; gnomAD exomes 0.00001 and below 0.00001; ExAC 0.00002; TOPMed 0.00002; ESP Exome Variant Server 0.00008.

Submissions (4):

Labcorp Genetics (formerly Invitae), Labcorp
Classification: Likely benign for Distal myopathy with posterior leg and anterior hand involvement; Myofibrillar myopathy 5; Hypertrophic cardiomyopathy 26. Last evaluated: 2026-01-19. Review status: criteria provided, single submitter. Criteria: Invitae Variant Classification Sherloc (09022015). Collection method: clinical testing. Allele origin: germline.

Ambry Genetics
Classification: Uncertain significance for Cardiovascular phenotype. Last evaluated: 2024-08-11. Review status: criteria provided, single submitter. Criteria: Ambry Variant Classification Scheme 2023. Collection method: clinical testing. Allele origin: germline.
Comment: The p.P853S variant (also known as c.2557C>T), located in coding exon 17 of the FLNC gene, results from a C to T substitution at nucleotide position 2557. The proline at codon 853 is replaced by serine, an amino acid with similar properties. This amino acid position is conserved. In addition, this alteration is predicted to be deleterious by in silico analysis. Since supporting evidence is limited at this time, the clinical significance of this alteration remains unclear.

Revvity Omics, Revvity
Classification: Uncertain significance. Last evaluated: 2024-01-24. Review status: criteria provided, single submitter. Criteria: ACMG Guidelines, 2015. Collection method: clinical testing. Allele origin: germline.

GeneDx
Classification: Uncertain significance. Last evaluated: 2022-10-18. Review status: criteria provided, single submitter. Criteria: GeneDx Variant Classification Process June 2021. Collection method: clinical testing. Allele origin: germline. Affected: yes.
Comment: Not observed at significant frequency in large population cohorts (gnomAD); In silico analysis supports that this missense variant has a deleterious effect on protein structure/function; Has not been previously published as pathogenic or benign to our knowledge

NM_001458.5(FLNC):c.2557C>T (p.Pro853Ser)

Gene: FLNC (filamin C; plus strand). Cytogenetic location: 7q32.1.
Variant type: single nucleotide variant.
Coding change: c.2557C>T on transcript NM_001458.5 (MANE Select); coding-DNA position 2557, C replaced by T.
Protein change: p.Pro853Ser; replaces proline 853 with serine.
Molecular consequence: missense variant.
Genome position (GRCh38, 1-based): chr7:128,843,235, C>T. VCF-style: chr7-128843235-C-T. GRCh37 (hg19) VCF-style: chr7-128483289-C-T.
Other names: c.2557C>T, p.Pro853Ser (NM_001127487.2); short protein forms P853S.
Identifiers: ClinVar variation 963689 (VCV000963689.15), dbSNP rs374302753, ClinGen allele CA4474781.